The following is an entry in ClinVar:

NM_001939.3(DRP2):c.955G>A (p.Val319Ile)

Gene: DRP2 (dystrophin related protein 2; plus strand). Cytogenetic location: Xq22.1.
Variant type: single nucleotide variant.
Coding change: c.955G>A on transcript NM_001939.3 (MANE Select); coding-DNA position 955, G replaced by A.
Protein change: p.Val319Ile; replaces valine 319 with isoleucine.
Molecular consequence: missense variant.
Genome position (GRCh38, 1-based): chrX:101,242,451, G>A. VCF-style: chrX-101242451-G-A. GRCh37 (hg19) VCF-style: chrX-100497440-G-A.
Other names: c.721G>A, p.Val241Ile (NM_001171184.2); short protein forms V241I, V319I.
Identifiers: ClinVar variation 3618831 (VCV003618831.2).

ClinVar aggregate classification (germline): Uncertain significance (1 of 4 stars; one submission).

gnomAD v4.1: 20 of 1,208,073 alleles (0.0017%); highest among the groups gnomAD compares: Admixed American, 0.0066%; no homozygotes.

Submission:

Labcorp Genetics (formerly Invitae), Labcorp
Classification: Uncertain significance. Last evaluated: 2024-03-28. Review status: criteria provided, single submitter. Criteria: Invitae Variant Classification Sherloc (09022015). Collection method: clinical testing. Allele origin: germline.
Comment: This sequence change replaces valine, which is neutral and non-polar, with isoleucine, which is neutral and non-polar, at codon 319 of the DRP2 protein (p.Val319Ile). This variant is present in population databases (rs750742090, gnomAD 0.03%). This variant has not been reported in the literature in individuals affected with DRP2-related conditions. Advanced modeling of protein sequence and biophysical properties (such as structural, functional, and spatial information, amino acid conservation, physicochemical variation, residue mobility, and thermodynamic stability) performed at Invitae indicates that this missense variant is not expected to disrupt DRP2 protein function with a negative predictive value of 80%. In summary, the available evidence is currently insufficient to determine the role of this variant in disease. Therefore, it has been classified as a Variant of Uncertain Significance.